The following is an entry in ClinVar:

ClinVar aggregate classification (germline): Uncertain significance (1 of 4 stars; one submission).

Conditions:
Inborn genetic diseases. Identifiers: MedGen C0950123, MeSH D030342.

gnomAD v4.1: 2 of 1,613,972 alleles (0.00012%); highest among the groups gnomAD compares: African/African-American, 0.0027%; no homozygotes.

Submission:

Ambry Genetics
Classification: Uncertain significance for Inborn genetic diseases. Last evaluated: 2025-05-15. Review status: criteria provided, single submitter. Criteria: Ambry Variant Classification Scheme 2023. Collection method: clinical testing. Allele origin: germline.
Comment: The p.F169Y variant (also known as c.506T>A), located in coding exon 1 of the SAMD9 gene, results from a T to A substitution at nucleotide position 506. The phenylalanine at codon 169 is replaced by tyrosine, an amino acid with highly similar properties. This amino acid position is conserved. In addition, this alteration is predicted to be tolerated by in silico analysis. Based on the available evidence, the clinical significance of this variant remains unclear.

NM_017654.4(SAMD9):c.506T>A (p.Phe169Tyr)

Gene: SAMD9 (sterile alpha motif domain containing 9; minus strand). Cytogenetic location: 7q21.2.
Variant type: single nucleotide variant.
Coding change: c.506T>A on transcript NM_017654.4 (MANE Select); coding-DNA position 506, T replaced by A.
Protein change: p.Phe169Tyr; replaces phenylalanine 169 with tyrosine.
Molecular consequence: missense variant.
Genome position (GRCh38, 1-based): chr7:93,105,592, A>T on the plus strand (T>A on the coding strand, the complement: SAMD9 is on the minus strand). VCF-style: chr7-93105592-A-T. GRCh37 (hg19) VCF-style: chr7-92734905-A-T.
Other names: c.506T>A, p.Phe169Tyr (NM_001193307.2); short protein forms F169Y.
Identifiers: ClinVar variation 3949627 (VCV003949627.1).